The following is an entry in ClinVar:

NM_000548.5(TSC2):c.4850-2A>C

Gene: TSC2 (TSC complex subunit 2; plus strand). Cytogenetic location: 16p13.3.
Variant type: single nucleotide variant.
Coding change: c.4850-2A>C on transcript NM_000548.5 (MANE Select); the canonical splice acceptor site of the intron before coding-DNA position 4850, A replaced by C.
Molecular consequence: splice acceptor variant.
Genome position (GRCh38, 1-based): chr16:2,086,730, A>C. VCF-style: chr16-2086730-A-C. GRCh37 (hg19) VCF-style: chr16-2136731-A-C.
Other names: c.3308-2A>C (NM_001406693.1, NM_001406692.1, NM_001406694.1); c.4742-2A>C (NM_001406667.1); c.4739-2A>C (NM_001406668.1); c.4250-2A>C (NM_001406680.1); c.4181-2A>C (NM_001406683.1, NM_001406682.1); c.4049-2A>C (NM_001406687.1, NM_001406688.1); c.3437-2A>C (NM_001406689.1); c.3377-2A>C (NM_001406690.1); and 26 more.
Identifiers: ClinVar variation 65151 (VCV000065151.2), dbSNP rs397515315, ClinGen allele CA021121.

ClinVar aggregate classification (germline): Pathogenic. Review status: criteria provided, single submitter (1 of 4 stars). 2 submissions from 2 submitters: Pathogenic (1). 1 of the submissions does not count toward it. Last evaluated 2025-12-08.

Conditions:
Tuberous sclerosis syndrome (TSC). Also called: Tuberous Sclerosis Complex; Tuberous sclerosis. Identifiers: Orphanet 805, MedGen C0041341, MONDO:0001734.
Tuberous sclerosis 2 (TSC2). Identifiers: Orphanet 805, MedGen C1860707, MONDO:0013199, OMIM 613254.

Submissions (2):

Institute of Human Genetics, University of Leipzig Medical Center
Classification: Pathogenic for Tuberous sclerosis 2. Last evaluated: 2025-12-08. Review status: criteria provided, single submitter. Criteria: ACMG Guidelines, 2015. Collection method: clinical testing. Allele origin: unknown. Inheritance: Autosomal dominant inheritance. Affected: yes.
Comment: Criteria applied: PVS1,PS1,PM2,PS4_SUP

Tuberous sclerosis database (TSC2)
No classification provided. Condition: TSC. Review status: no classification provided. Criteria: Tuberous Sclerosis Database Assertion Criteria 2015. Collection method: curation. Allele origin: germline. Affected: yes. Not counted in ClinVar's aggregate classification.